The following is an entry in ClinVar:

ClinVar aggregate classification (germline): Uncertain significance (1 of 4 stars; one submission).

Conditions:
Hypertrophic cardiomyopathy. Also called: HYPERTROPHIC MYOCARDIOPATHY. Identifiers: Orphanet 217569, MedGen C0007194, MeSH D002312, MONDO:0005045, HP:0001639.

Submission:

All of Us Research Program, National Institutes of Health
Classification: Uncertain significance for Hypertrophic cardiomyopathy. Last evaluated: 2023-11-20. Review status: criteria provided, single submitter. Criteria: ACMG Guidelines, 2015. Collection method: clinical testing. Allele origin: germline. Inheritance: Autosomal dominant inheritance. Observed: 1 variant allele, 1 heterozygote.
Comment: This missense variant replaces alanine with valine at codon 218 of the PRKAG2 protein. Computational prediction suggests that this variant may not impact protein structure and function (internally defined REVEL score threshold <= 0.5, PMID: 27666373). To our knowledge, functional studies have not been reported for this variant. This variant has not been reported in individuals affected with PRKAG2-related disorders in the literature. This variant has not been identified in the general population by the Genome Aggregation Database (gnomAD). The available evidence is insufficient to determine the role of this variant in disease conclusively. Therefore, this variant is classified as a Variant of Uncertain Significance.

This study involves interpretation of variants in research participants for the purpose of population health screening. Participant phenotype was not available at the time of variant classification. Additional details can be found in publication PMID: 35346344, PMCID: PMC8962531

NM_016203.4(PRKAG2):c.653C>T (p.Ala218Val)

Gene: PRKAG2 (protein kinase AMP-activated non-catalytic subunit gamma 2; minus strand). Cytogenetic location: 7q36.1.
Variant type: single nucleotide variant.
Coding change: c.653C>T on transcript NM_016203.4 (MANE Select); coding-DNA position 653, C replaced by T.
Protein change: p.Ala218Val; replaces alanine 218 with valine.
Molecular consequence: missense variant. On other transcripts: intron variant (5).
Genome position (GRCh38, 1-based): chr7:151,675,451, G>A on the plus strand (C>T on the coding strand, the complement: PRKAG2 is on the minus strand). VCF-style: chr7-151675451-G-A. GRCh37 (hg19) VCF-style: chr7-151372537-G-A.
Other names: c.521C>T, p.Ala174Val (NM_001040633.2, NM_001407024.1, NM_001407026.1 and 1 more transcripts); c.281C>T, p.Ala94Val (NM_001304527.2, NM_001363698.2, NM_001407028.1 and 1 more transcripts); c.653C>T, p.Ala218Val (NM_001407021.1, NM_001407022.1, NM_001407023.1); c.335C>T, p.Ala112Val (NM_001407032.1); c.467-80000C>T (NM_001407031.1); c.467-79997C>T (NM_001407030.1); c.361-43313C>T (NM_001407033.1); c.94+60449C>T (NM_001407037.1); and 1 more; short protein forms A112V, A174V, A218V, A94V.
Identifiers: ClinVar variation 3074558 (VCV003074558.1), dbSNP rs2537255236, ClinGen allele CA370187043.
Genomic context (GRCh38, chr7:151,675,451, plus strand): 5'-GCCCCACCCACAGAAGGGCCCAGACTTACGGCTTTGGAGGGAGCATAGTGTGTCGGTGAT[G>A]CCAGTGGAGGCCTGGTCGGGCTCTGGAAGGAAGACGGGCAGAACCTCTGCCCTGTGTCCG-3'
Protein context (NP_057287.2, residues 208-228): SFQSPTRPPL[Ala218Val]SPTHYAPSKA